The following is an entry in ClinVar:

NM_153700.2(STRC):c.1466G>C (p.Ser489Thr)

Gene: STRC (stereocilin; minus strand). Cytogenetic location: 15q15.3.
Variant type: single nucleotide variant.
Coding change: c.1466G>C on transcript NM_153700.2 (MANE Select); coding-DNA position 1466, G replaced by C.
Protein change: p.Ser489Thr; replaces serine 489 with threonine.
Molecular consequence: missense variant.
Genome position (GRCh38, 1-based): chr15:43,616,100, C>G on the plus strand (G>C on the coding strand, the complement: STRC is on the minus strand). VCF-style: chr15-43616100-C-G. GRCh37 (hg19) VCF-style: chr15-43908298-C-G.
Other names: p.Ser489Thr; short protein forms S489T.
Identifiers: ClinVar variation 805526 (VCV000805526.2), dbSNP rs1257047735, ClinGen allele CA392182548.

ClinVar aggregate classification (germline): Uncertain significance. Review status: criteria provided, multiple submitters, no conflicts (2 of 4 stars). 2 submissions from 2 submitters: Uncertain significance (2). Last evaluated 2023-01-13.

Submissions (2):

Mayo Clinic Laboratories, Mayo Clinic
Classification: Uncertain significance. Last evaluated: 2023-01-13. Review status: criteria provided, single submitter. Criteria: ACMG Guidelines, 2015. Collection method: clinical testing. Allele origin: germline. Observed: 1 variant allele.
Comment: BP4

Athena Diagnostics
Classification: Uncertain significance. Last evaluated: 2019-03-30. Review status: criteria provided, single submitter. Criteria: Athena Diagnostics Criteria. Collection method: clinical testing. Allele origin: germline.